The following is an entry in ClinVar:

ClinVar aggregate classification (germline): Likely benign (1 of 4 stars; one submission).

Allele frequency attached by ClinVar (database versions not stated): gnomAD exomes below 0.00001 and 0.00001; ExAC 0.00001; TOPMed 0.00001.

Submission:

GeneDx
Classification: Likely benign. Last evaluated: 2021-04-02. Review status: criteria provided, single submitter. Criteria: GeneDx Variant Classification Process June 2021. Collection method: clinical testing. Allele origin: germline. Affected: yes.
Comment: In silico analysis supports that this missense variant does not alter protein structure/function

NM_000686.5(AGTR2):c.1012A>G (p.Thr338Ala)

Gene: AGTR2 (angiotensin II receptor type 2; plus strand). Cytogenetic location: Xq23.
Variant type: single nucleotide variant.
Coding change: c.1012A>G on transcript NM_000686.5 (MANE Select); coding-DNA position 1012, A replaced by G.
Protein change: p.Thr338Ala; replaces threonine 338 with alanine.
Molecular consequence: missense variant.
Genome position (GRCh38, 1-based): chrX:116,173,292, A>G. VCF-style: chrX-116173292-A-G. GRCh37 (hg19) VCF-style: chrX-115304545-A-G.
Other names: short protein forms T338A.
Identifiers: ClinVar variation 382444 (VCV000382444.3), dbSNP rs782240762, ClinGen allele CA10497340.